The following is an entry in ClinVar:

NM_002878.4(RAD51D):c.248C>A (p.Ser83Tyr)

Genes: RAD51D (RAD51 paralog D; minus strand), RAD51L3-RFFL (RAD51L3-RFFL readthrough; minus strand). Cytogenetic location: 17q12.
Variant type: single nucleotide variant.
Coding change: c.248C>A on transcript NM_002878.4 (MANE Select); coding-DNA position 248, C replaced by A.
Protein change: p.Ser83Tyr; replaces serine 83 with tyrosine.
Molecular consequence: missense variant. On other transcripts: intron variant (2).
Genome position (GRCh38, 1-based): chr17:35,118,516, G>T on the plus strand (C>A on the coding strand, the complement: RAD51D is on the minus strand). VCF-style: chr17-35118516-G-T. GRCh37 (hg19) VCF-style: chr17-33445535-G-T.
Other names: c.144+595C>A (NM_133629.3, NM_001142571.2); short protein forms S83Y.
Identifiers: ClinVar variation 4149916 (VCV004149916.1).

ClinVar aggregate classification (germline): Uncertain significance (1 of 4 stars; one submission).

Conditions:
Hereditary cancer-predisposing syndrome. Also called: Hereditary neoplastic syndrome; Neoplastic Syndromes, Hereditary; Tumor predisposition; Hereditary Cancer Syndrome. Identifiers: Orphanet 140162, MedGen C0027672, MeSH D009386, MONDO:0015356.

Submission:

Ambry Genetics
Classification: Uncertain significance for Hereditary cancer-predisposing syndrome. Last evaluated: 2025-08-09. Review status: criteria provided, single submitter. Criteria: Ambry Variant Classification Scheme 2023. Collection method: clinical testing. Allele origin: germline.
Comment: The p.S83Y variant (also known as c.248C>A), located in coding exon 3 of the RAD51D gene, results from a C to A substitution at nucleotide position 248. The serine at codon 83 is replaced by tyrosine, an amino acid with dissimilar properties. This amino acid position is conserved. In addition, the in silico prediction for this alteration is inconclusive. Based on the available evidence, the clinical significance of this variant remains unclear.